The following is an entry in ClinVar:

NM_000836.4(GRIN2D):c.3906C>T (p.His1302=)

Gene: GRIN2D (glutamate ionotropic receptor NMDA type subunit 2D; plus strand). Cytogenetic location: 19q13.33.
Variant type: single nucleotide variant.
Coding change: c.3906C>T on transcript NM_000836.4 (MANE Select); coding-DNA position 3906, C replaced by T.
Protein change: p.His1302=; no amino-acid change (histidine 1302 retained).
Molecular consequence: synonymous variant.
Genome position (GRCh38, 1-based): chr19:48,443,832, C>T. VCF-style: chr19-48443832-C-T. GRCh37 (hg19) VCF-style: chr19-48947089-C-T.
Identifiers: ClinVar variation 3357402 (VCV003357402.1).

ClinVar aggregate classification (germline): Likely benign (0 of 4 stars; one submission).

Conditions:
GRIN2D-related disorder. Also called: GRIN2D-related condition.

gnomAD v4.1: 16 of 1,484,686 alleles (0.0011%); highest among the groups gnomAD compares: Non-Finnish European, 0.0013%; no homozygotes.

Submission:

PreventionGenetics, part of Exact Sciences
Classification: Likely benign for GRIN2D-related condition. Last evaluated: 2024-08-09. Review status: no assertion criteria provided. Collection method: clinical testing. Allele origin: germline.
Comment: This variant is classified as likely benign based on ACMG/AMP sequence variant interpretation guidelines (Richards et al. 2015 PMID: 25741868, with internal and published modifications).